The following is an entry in ClinVar:

ClinVar aggregate classification (germline): Likely pathogenic (1 of 4 stars; one submission).

Conditions:
Hypertrophic cardiomyopathy 26. Also called: Cardiomyopathy, familial hypertrophic, 26. Identifiers: Orphanet 75249, MedGen C4310749, MONDO:0014883, OMIM 617047.
Myofibrillar myopathy 5. Also called: Filaminopathy (type); FILAMINOPATHY, AUTOSOMAL DOMINANT. Identifiers: Orphanet 171445, MedGen C1836050, MONDO:0012289, OMIM 609524.
Distal myopathy with posterior leg and anterior hand involvement. Also called: WILLIAMS DISTAL MYOPATHY. Identifiers: Orphanet 63273, MedGen C3279722, MONDO:0013550, OMIM 614065.

Submission:

Labcorp Genetics (formerly Invitae), Labcorp
Classification: Likely pathogenic for Distal myopathy with posterior leg and anterior hand involvement; Myofibrillar myopathy 5; Hypertrophic cardiomyopathy 26. Last evaluated: 2023-02-02. Review status: criteria provided, single submitter. Criteria: Invitae Variant Classification Sherloc (09022015). Collection method: clinical testing. Allele origin: germline.
Comment: This sequence change affects a donor splice site in intron 28 of the FLNC gene. It is expected to disrupt RNA splicing. Variants that disrupt the donor or acceptor splice site typically lead to a loss of protein function (PMID: 16199547), and loss-of-function variants in FLNC are known to be pathogenic (PMID: 27908349). This variant is not present in population databases (gnomAD no frequency). Disruption of this splice site has been observed in individual(s) with clinical features of FLNC-related conditions (PMID: 29792937, 34440373). Algorithms developed to predict the effect of sequence changes on RNA splicing suggest that this variant may create or strengthen a splice site. In summary, the currently available evidence indicates that the variant is pathogenic, but additional data are needed to prove that conclusively. Therefore, this variant has been classified as Likely Pathogenic.

Literature cited by the submitters: PubMed 16199547; PubMed 27908349; PubMed 29792937; PubMed 34440373.

NM_001458.5(FLNC):c.4927+2T>C

Gene: FLNC (filamin C; plus strand). Cytogenetic location: 7q32.1.
Variant type: single nucleotide variant.
Coding change: c.4927+2T>C on transcript NM_001458.5 (MANE Select); the canonical splice donor site of the intron after coding-DNA position 4927, T replaced by C.
Molecular consequence: splice donor variant.
Genome position (GRCh38, 1-based): chr7:128,848,984, T>C. VCF-style: chr7-128848984-T-C. GRCh37 (hg19) VCF-style: chr7-128489038-T-C.
Other names: c.4927+2T>C (NM_001127487.2).
Identifiers: ClinVar variation 2943862 (VCV002943862.3), dbSNP rs2128937680, ClinGen allele CA369203682.